The following is an entry in ClinVar:

ClinVar aggregate classification (germline): Uncertain significance. Review status: criteria provided, multiple submitters, no conflicts (2 of 4 stars). 2 submissions from 2 submitters: Uncertain significance (2). Last evaluated 2023-01-18.

Submissions (2):

GeneDx
Classification: Uncertain significance. Last evaluated: 2023-01-18. Review status: criteria provided, single submitter. Criteria: GeneDx Variant Classification Process June 2021. Collection method: clinical testing. Allele origin: germline. Affected: yes.
Comment: Not observed at significant frequency in large population cohorts (gnomAD); In silico analysis supports that this variant does not alter protein structure/function; Has not been previously published as pathogenic or benign to our knowledge

CeGaT Center for Human Genetics Tuebingen
Classification: Uncertain significance. Last evaluated: 2022-05-01. Review status: criteria provided, single submitter. Criteria: CeGaT Center For Human Genetics Tuebingen Variant Classification Criteria Version 2. Collection method: clinical testing. Allele origin: germline. Affected: yes. Observed: 1 variant allele.
Comment: TCOF1: PM2, PM4

NM_001371623.1(TCOF1):c.2614GAG[2] (p.Glu874del)

Gene: TCOF1 (treacle ribosome biogenesis factor 1; plus strand). Cytogenetic location: 5q32.
Variant type: Microsatellite.
Coding change: c.2614GAG[2] on transcript NM_001371623.1 (MANE Select); two copies in a row of the 3-base unit GAG starting at c.2614; the reference has three copies in a row; one copy, 3 bases deleted.
Protein change: p.Glu874del; deletes glutamic acid 874.
Molecular consequence: inframe deletion.
Genome position (GRCh38, 1-based): chr5:150,379,370-150,379,372, GAG deleted; deleting any 3 consecutive bases within chr5:150,379,364-150,379,372 gives the same sequence; the position shown is the placement nearest the transcript's 3' end. VCF-style (leftmost placement, unchanged base first): chr5-150379363-TGAG-T. GRCh37 (hg19) VCF-style: chr5-149758926-TGAG-T.
Other names: c.2383GAG[2], p.Glu797del (NM_000356.4, NM_001135245.2); c.2614GAG[2], p.Glu874del (NM_001008657.3, NM_001135243.2, NM_001135244.2 and 1 more transcripts); short protein forms E797del, E874del.
Identifiers: ClinVar variation 2573938 (VCV002573938.25), dbSNP rs899503968, ClinGen allele CA129139378.